The following is an entry in ClinVar:

NM_007315.4(STAT1):c.2059+5G>A

Gene: STAT1 (signal transducer and activator of transcription 1; minus strand). Cytogenetic location: 2q32.2.
Variant type: single nucleotide variant.
Coding change: c.2059+5G>A on transcript NM_007315.4 (MANE Select); 5 bases into the intron after coding-DNA position 2059, G replaced by A.
Molecular consequence: intron variant.
Genome position (GRCh38, 1-based): chr2:190,976,835, C>T on the plus strand (G>A on the coding strand, the complement: STAT1 is on the minus strand). VCF-style: chr2-190976835-C-T. GRCh37 (hg19) VCF-style: chr2-191841561-C-T.
Other names: c.1969+5G>A (NM_001384890.1); c.1960+5G>A (NM_001384883.1); c.1900+5G>A (NM_001384885.1); c.1966+5G>A (NM_001384887.1); c.1999+5G>A (NM_001384880.1); c.2029+5G>A (NM_001384888.1); c.2053+5G>A (NM_001384882.1); c.2059+5G>A (NM_001384889.1, NM_001384886.1, NM_139266.3 and 1 more transcripts); and 3 more.
Identifiers: ClinVar variation 1042523 (VCV001042523.9), dbSNP rs757528949, ClinGen allele CA2029761.

ClinVar aggregate classification (germline): Uncertain significance. Review status: criteria provided, multiple submitters, no conflicts (2 of 4 stars). 3 submissions from 3 submitters: Uncertain significance (2). 1 of the submissions does not count toward it. Last evaluated 2025-11-03.

Conditions:
Immunodeficiency 31B. Also called: STAT1 DEFICIENCY, AUTOSOMAL RECESSIVE; IMMUNODEFICIENCY 31B, MYCOBACTERIAL AND VIRAL INFECTIONS, AUTOSOMAL RECESSIVE. Identifiers: Orphanet 391311, MedGen C3151088, MONDO:0013427, OMIM 613796.
Autoimmune enteropathy and endocrinopathy - susceptibility to chronic infections syndrome. Also called: Immunodeficiency 31C, autosomal dominant; Immunodeficiency 31C. Identifiers: Orphanet 391487, MedGen C3279990, MONDO:0013599, OMIM 614162.
Mendelian susceptibility to mycobacterial diseases due to partial STAT1 deficiency. Also called: IMMUNODEFICIENCY 31A, MYCOBACTERIOSIS, AUTOSOMAL DOMINANT; STAT1 DEFICIENCY, AUTOSOMAL DOMINANT; Immunodeficiency 31a. Identifiers: Orphanet 319595, MedGen C4013950, MONDO:0013956, OMIM 614892.
STAT1-related disorder. Also called: STAT1-related condition.

Allele frequency attached by ClinVar (database versions not stated): TOPMed 0.00001; ExAC 0.00002; gnomAD exomes 0.00002 and 0.00003; gnomAD 0.00003.
gnomAD v4.1: 14 of 1,613,846 alleles (0.00087%); highest among the groups gnomAD compares: Admixed American, 0.023%; no homozygotes.

Submissions (3):

Labcorp Genetics (formerly Invitae), Labcorp
Classification: Uncertain significance for Mendelian susceptibility to mycobacterial diseases due to partial STAT1 deficiency; Immunodeficiency 31B; Autoimmune enteropathy and endocrinopathy - susceptibility to chronic infections syndrome. Last evaluated: 2025-11-03. Review status: criteria provided, single submitter. Criteria: Invitae Variant Classification Sherloc (09022015). Collection method: clinical testing. Allele origin: germline.
Comment: This sequence change falls in intron 22 of the STAT1 gene. It does not directly change the encoded amino acid sequence of the STAT1 protein. It affects a nucleotide within the consensus splice site. This variant is present in population databases (rs757528949, gnomAD 0.03%). This variant has not been reported in the literature in individuals affected with STAT1-related conditions. ClinVar contains an entry for this variant (Variation ID: 1042523). Variants that disrupt the consensus splice site are a relatively common cause of aberrant splicing (PMID: 17576681, 9536098). Algorithms developed to predict the effect of sequence changes on RNA splicing suggest that this variant is not likely to affect RNA splicing. In summary, the available evidence is currently insufficient to determine the role of this variant in disease. Therefore, it has been classified as a Variant of Uncertain Significance.

Blueprint Genetics
Classification: Uncertain significance. Last evaluated: 2020-08-18. Review status: criteria provided, single submitter. Criteria: ACMG Guidelines, 2015. Collection method: clinical testing. Allele origin: germline.

PreventionGenetics, part of Exact Sciences
Classification: Likely benign for STAT1-related condition. Last evaluated: 2022-11-09. Review status: no assertion criteria provided. Collection method: clinical testing. Allele origin: germline. Not counted in ClinVar's aggregate classification.
Comment: This variant is classified as likely benign based on ACMG/AMP sequence variant interpretation guidelines (Richards et al. 2015 PMID: 25741868, with internal and published modifications).

Literature cited by the submitters: PubMed 17576681 (cited by Labcorp Genetics (formerly Invitae), Labcorp); PubMed 9536098 (cited by Labcorp Genetics (formerly Invitae), Labcorp).